The following is an entry in ClinVar:

ClinVar aggregate classification (germline): Uncertain significance (1 of 4 stars; one submission).

Conditions:
FRAXE. Also called: Fragile XE syndrome; FRAXE Syndrome; Intellectual developmental disorder, X-linked 109; FRAXE intellectual disability; Intellectual disability, X-linked, FRAXE type. Identifiers: Orphanet 100973, MedGen C0751157, MONDO:0010659, OMIM 309548. Disease mechanism: loss of function.

gnomAD v4.1: 9 of 1,206,925 alleles (0.00075%); highest among the groups gnomAD compares: Non-Finnish European, 0.001%; no homozygotes.

Submission:

Clinical Genomics Laboratory, Washington University in St. Louis
Classification: Uncertain significance for FRAXE. Last evaluated: 2025-12-01. Review status: criteria provided, single submitter. Criteria: ACMG Guidelines, 2015. Collection method: clinical testing. Allele origin: germline.
Comment: The AFF2 c.219C>A (p.Asn73Lys) variant, to our knowledge, has not been reported in the medical literature and is absent from the general population (gnomAD v2.1.1), indicating it is not a common variant. Computational predictors are uncertain as to the impact of this variant on AFF2 function. Due to limited information, and based on ACMG/AMP guidelines for variant interpretation (Richards S et al., PMID: 25741868), the clinical significance of this variant is uncertain at this time.

NM_002025.4(AFF2):c.219C>A (p.Asn73Lys)

Gene: AFF2 (ALF transcription elongation factor 2; plus strand). Cytogenetic location: Xq28.
Variant type: single nucleotide variant.
Coding change: c.219C>A on transcript NM_002025.4 (MANE Select); coding-DNA position 219, C replaced by A.
Protein change: p.Asn73Lys; replaces asparagine 73 with lysine.
Molecular consequence: missense variant.
Genome position (GRCh38, 1-based): chrX:148,661,946, C>A. VCF-style: chrX-148661946-C-A. GRCh37 (hg19) VCF-style: chrX-147743467-C-A.
Other names: c.207C>A, p.Asn69Lys (NM_001169122.2, NM_001169123.2, NM_001169125.2); c.219C>A, p.Asn73Lys (NM_001169124.2); short protein forms N69K, N73K.
Identifiers: ClinVar variation 4879317 (VCV004879317.1).